The following is an entry in ClinVar:

NM_001267550.2(TTN):c.32971G>A (p.Glu10991Lys)

Gene: TTN (titin; minus strand). Cytogenetic location: 2q31.2.
Variant type: single nucleotide variant.
Coding change: c.32971G>A on transcript NM_001267550.2 (MANE Select); coding-DNA position 32971, G replaced by A.
Protein change: p.Glu10991Lys; replaces glutamic acid 10991 with lysine.
Molecular consequence: missense variant. On other transcripts: intron variant (3).
Genome position (GRCh38, 1-based): chr2:178,682,820, C>T on the plus strand (G>A on the coding strand, the complement: TTN is on the minus strand). VCF-style: chr2-178682820-C-T. GRCh37 (hg19) VCF-style: chr2-179547547-C-T.
Other names: p.Glu10674Lys; c.29239G>A, p.Glu9747Lys (NM_133378.4); c.32020G>A, p.Glu10674Lys (NM_001256850.1); c.13283-40503G>A (NM_003319.4); c.13859-40503G>A (NM_133437.4); c.13658-40503G>A (NM_133432.3); short protein forms E10991K, E9747K, E10674K.
Identifiers: ClinVar variation 229418 (VCV000229418.24), dbSNP rs201081803, ClinGen allele CA1998483.

ClinVar aggregate classification (germline): Conflicting classifications of pathogenicity. Review status: criteria provided, conflicting classifications (1 of 4 stars). 14 submissions from 10 submitters: Uncertain significance (12); Likely benign (2). Last evaluated 2025-08-04.

Conditions:
TTN-related disorder. Also called: TTN-related disorders; TTN-related condition; TTN-related disease.
Dilated cardiomyopathy 1G (CMD1G). Identifiers: Orphanet 154, MedGen C1858763, MONDO:0011400, OMIM 604145.
Autosomal recessive limb-girdle muscular dystrophy type 2J (LGMDR10). Also called: Limb-girdle muscular dystrophy, type 2J; MUSCULAR DYSTROPHY, LIMB-GIRDLE, AUTOSOMAL RECESSIVE 10. Identifiers: Orphanet 140922, MedGen C1837342, MONDO:0012127, OMIM 608807.
Myopathy, myofibrillar, 9, with early respiratory failure (MFM9). Also called: Myopathy, distal, with early respiratory failure, autosomal dominant; MYOPATHY, PROXIMAL, WITH EARLY RESPIRATORY MUSCLE INVOLVEMENT; Hereditary myopathy with early respiratory failure; EDSTROM MYOPATHY. Identifiers: Orphanet 178464, Orphanet 34521, MedGen C1863599, MONDO:0011362, OMIM 603689.
Early-onset myopathy with fatal cardiomyopathy (CMYO5). Also called: CONGENITAL MYOPATHY 5 WITH CARDIOMYOPATHY; Salih Myopathy. Identifiers: Orphanet 289377, MedGen C2673677, MONDO:0012714, OMIM 611705. Disease mechanism: loss of function.
Tibial muscular dystrophy (TMD). Also called: Tibial muscular dystrophy, tardive; Udd Distal Myopathy – Tibial Muscular Dystrophy; UDD MYOPATHY. Identifiers: Orphanet 609, MedGen C1838244, MONDO:0010870, OMIM 600334.

Allele frequency attached by ClinVar (database versions not stated): ExAC 0.00001; gnomAD exomes 0.00004 and 0.00006; gnomAD 0.00013 and 0.00014; TOPMed 0.00013.
gnomAD v4.1: 107 of 1,612,096 alleles (0.0066%); highest among the groups gnomAD compares: Admixed American, 0.033%; no homozygotes.

Submissions (14):

PreventionGenetics, part of Exact Sciences
Classification: Uncertain significance for TTN-related condition. Last evaluated: 2025-08-04. Review status: criteria provided, single submitter. Criteria: ACMG Guidelines, 2015. Collection method: clinical testing. Allele origin: germline.
Comment: The TTN c.32971G>A variant is predicted to result in the amino acid substitution p.Glu10991Lys. To our knowledge, this variant has not been reported in the literature. This variant is reported in 0.014% of alleles in individuals of Latino descent in gnomAD. At this time, the clinical significance of this variant is uncertain due to the absence of conclusive functional and genetic evidence.

Molecular Diagnostic Laboratory for Inherited Cardiovascular Disease, Montreal Heart Institute
Classification: Likely benign. Last evaluated: 2025-04-09. Review status: criteria provided, single submitter. Criteria: ACMG Guidelines, 2015. Collection method: clinical testing. Allele origin: germline. Affected: no.

Women's Health and Genetics/Laboratory Corporation of America, LabCorp
Classification: Uncertain significance. Last evaluated: 2024-12-24. Review status: criteria provided, single submitter. Criteria: LabCorp Variant Classification Summary - May 2015. Collection method: clinical testing. Allele origin: germline.
Comment: Variant summary: TTN c.29239G>A (p.Glu9747Lys) results in a conservative amino acid change located in the I-band region of the encoded protein sequence. Three of three in-silico tools predict a benign effect of the variant on protein function. The variant allele was found at a frequency of 3.6e-05 in 248614 control chromosomes. The available data on variant occurrences in the general population are insufficient to allow any conclusion about variant significance. To our knowledge, no occurrence of c.29239G>A in individuals affected with Dilated Cardiomyopathy and no experimental evidence demonstrating its impact on protein function have been reported. ClinVar contains an entry for this variant (Variation ID: 229418). Based on the evidence outlined above, the variant was classified as uncertain significance.

Mayo Clinic Laboratories, Mayo Clinic
Classification: Uncertain significance. Last evaluated: 2023-02-24. Review status: criteria provided, single submitter. Criteria: ACMG Guidelines, 2015. Collection method: clinical testing. Allele origin: germline. Observed: 2 variant alleles.
Comment: BP4

GeneDx
Classification: Likely benign. Last evaluated: 2020-12-28. Review status: criteria provided, single submitter. Criteria: GeneDx Variant Classification Process June 2021. Collection method: clinical testing. Allele origin: germline. Affected: yes.

Revvity Omics, Revvity
Classification: Uncertain significance. Last evaluated: 2020-10-31. Review status: criteria provided, single submitter. Criteria: ACMG Guidelines, 2015. Collection method: clinical testing. Allele origin: germline.

Illumina Laboratory Services, Illumina
Classification: Uncertain significance for Autosomal recessive limb-girdle muscular dystrophy type 2J. Last evaluated: 2018-01-13. Review status: criteria provided, single submitter. Criteria: ICSL Variant Classification Criteria 13 December 2019. Collection method: clinical testing. Allele origin: germline.

Illumina Laboratory Services, Illumina
Classification: Uncertain significance for Dilated cardiomyopathy 1G. Last evaluated: 2018-01-13. Review status: criteria provided, single submitter. Criteria: ICSL Variant Classification Criteria 13 December 2019. Collection method: clinical testing. Allele origin: germline.

Illumina Laboratory Services, Illumina
Classification: Uncertain significance for Myopathy, myofibrillar, 9, with early respiratory failure. Last evaluated: 2018-01-13. Review status: criteria provided, single submitter. Criteria: ICSL Variant Classification Criteria 13 December 2019. Collection method: clinical testing. Allele origin: germline.

Illumina Laboratory Services, Illumina
Classification: Uncertain significance for Tibial muscular dystrophy. Last evaluated: 2018-01-13. Review status: criteria provided, single submitter. Criteria: ICSL Variant Classification Criteria 13 December 2019. Collection method: clinical testing. Allele origin: germline.

Illumina Laboratory Services, Illumina
Classification: Uncertain significance for Early-onset myopathy with fatal cardiomyopathy. Last evaluated: 2018-01-13. Review status: criteria provided, single submitter. Criteria: ICSL Variant Classification Criteria 13 December 2019. Collection method: clinical testing. Allele origin: germline.

Labcorp Genetics (formerly Invitae), Labcorp
Classification: Uncertain significance for Dilated cardiomyopathy 1G; Autosomal recessive limb-girdle muscular dystrophy type 2J. Last evaluated: 2017-10-31. Review status: criteria provided, single submitter. Criteria: Invitae Variant Classification Sherloc (09022015). Collection method: clinical testing. Allele origin: germline.

Eurofins Ntd Llc (ga)
Classification: Uncertain significance. Last evaluated: 2017-09-14. Review status: criteria provided, single submitter. Criteria: EGL Classification Definitions 2015. Collection method: clinical testing. Allele origin: germline. Observed: 3 variant alleles, 3 heterozygotes.

Laboratory for Molecular Medicine, Mass General Brigham Personalized Medicine
Classification: Uncertain significance. Last evaluated: 2015-02-03. Review status: criteria provided, single submitter. Criteria: LMM Criteria. Collection method: clinical testing. Allele origin: germline. Observed: 1 variant allele.
Comment: The p.Glu9747Lys in TTN has not been previously reported in individuals with car diomyopathy, but has been identified in 1/67386 European chromosomes by the Exom e Aggregation Consortium (ExAC). Computational p rediction tools and conservation analysis suggest that the p.Glu9747Lys variant may not impact the protein, though this information is not predictive enough to rule out pathogenicity. In summary, the clinical significance of the p.Glu9747Ly s variant is uncertain.